The following is an entry in ClinVar:

NM_000077.5(CDKN2A):c.150+195G>C

Gene: CDKN2A (cyclin dependent kinase inhibitor 2A; minus strand). Cytogenetic location: 9p21.3.
Variant type: single nucleotide variant.
Coding change: c.150+195G>C on transcript NM_000077.5 (MANE Select); 195 bases into the intron after coding-DNA position 150, G replaced by C.
Molecular consequence: intron variant. On other transcripts: missense variant (1).
Genome position (GRCh38, 1-based): chr9:21,974,483, C>G on the plus strand (G>C on the coding strand, the complement: CDKN2A is on the minus strand). VCF-style: chr9-21974483-C-G. GRCh37 (hg19) VCF-style: chr9-21974482-C-G.
Other names: c.345G>C, p.Glu115Asp (NM_058197.5); c.-3-3275G>C (NM_001363763.2); c.194-3275G>C (NM_058195.4); c.150+195G>C (NM_001195132.2); short protein forms E115D.
Identifiers: ClinVar variation 4988391 (VCV004988391.1).

ClinVar aggregate classification (germline): Uncertain significance (1 of 4 stars; one submission).

Conditions:
CDKN2A-related disorder. Also called: CDKN2A-related condition.

gnomAD v4.1: 8 of 1,612,768 alleles (0.0005%); highest among the groups gnomAD compares: African/African-American, 0.0067%; no homozygotes.

Submission:

PreventionGenetics, part of Exact Sciences
Classification: Uncertain significance for CDKN2A-related condition. Last evaluated: 2025-03-18. Review status: criteria provided, single submitter. Criteria: ACMG Guidelines, 2015. Collection method: clinical testing. Allele origin: germline.
Comment: The CDKN2A c.345G>C variant is predicted to result in the amino acid substitution p.Glu115Asp. To our knowledge, this variant has not been reported in the literature or in a large population database (gnomAD), indicating this variant is rare. Of note, the CDKN2A encodes two different proteins, p16INK4A (NM_000077.4) and p14ARF (NM_058195.3), through alternative transcripts (Laud et al. 2006. PubMed ID: 15937071). On the p16INK4A (NM_000077.4) transcript this variant is known as c.150+195G>C (Intronic). At the time of reporting this variant is absent from the ClinVar database. At this time, the clinical significance of this variant is uncertain due to the absence of conclusive functional and genetic evidence.